The following is an entry in ClinVar:

NM_003280.3(TNNC1):c.439C>T (p.Arg147Cys)

Gene: TNNC1 (troponin C1, slow skeletal and cardiac type; minus strand). Cytogenetic location: 3p21.1.
Variant type: single nucleotide variant.
Coding change: c.439C>T on transcript NM_003280.3 (MANE Select); coding-DNA position 439, C replaced by T.
Protein change: p.Arg147Cys; replaces arginine 147 with cysteine.
Molecular consequence: missense variant.
Genome position (GRCh38, 1-based): chr3:52,451,406, G>A on the plus strand (C>T on the coding strand, the complement: TNNC1 is on the minus strand). VCF-style: chr3-52451406-G-A. GRCh37 (hg19) VCF-style: chr3-52485422-G-A.
Other names: short protein forms R147C.
Identifiers: ClinVar variation 1284605 (VCV001284605.8), dbSNP rs796243470, ClinGen allele CA74775189.

ClinVar aggregate classification (germline): Uncertain significance. Review status: criteria provided, multiple submitters, no conflicts (2 of 4 stars). 5 submissions from 5 submitters: Uncertain significance (3). 2 of the submissions do not count toward it. Last evaluated 2026-01-04.

Conditions:
Dilated cardiomyopathy 1Z (CMD1Z). Identifiers: Orphanet 154, MedGen C2678475, MONDO:0012745, OMIM 611879.
Hypertrophic cardiomyopathy 13. Also called: TNNC1-Related Familial Hypertrophic Cardiomyopathy. Identifiers: MedGen C2750472, MONDO:0013195, OMIM 613243.
Cardiomyopathy (CMYO). Also called: Cardiomyopathies. Identifiers: Orphanet 167848, MedGen C0878544, MONDO:0004994, HP:0001638. Inheritance: Various modes of inheritance.

Allele frequency attached by ClinVar (database versions not stated): TOPMed below 0.00001; gnomAD 0.00001; gnomAD exomes 0.00001.
gnomAD v4.1: 10 of 1,614,040 alleles (0.00062%); highest among the groups gnomAD compares: Admixed American, 0.0033%; no homozygotes.

Submissions (5):

Labcorp Genetics (formerly Invitae), Labcorp
Classification: Uncertain significance for Hypertrophic cardiomyopathy 13; Dilated cardiomyopathy 1Z. Last evaluated: 2026-01-04. Review status: criteria provided, single submitter. Criteria: Invitae Variant Classification Sherloc (09022015). Collection method: clinical testing. Allele origin: germline.
Comment: This sequence change replaces arginine, which is basic and polar, with cysteine, which is neutral and slightly polar, at codon 147 of the TNNC1 protein (p.Arg147Cys). This variant is present in population databases (rs796243470, gnomAD 0.006%). This variant has not been reported in the literature in individuals affected with TNNC1-related conditions. ClinVar contains an entry for this variant (Variation ID: 1284605). An algorithm developed to predict the effect of missense changes on protein structure and function (PolyPhen-2) suggests that this variant is likely to be tolerated. In summary, the available evidence is currently insufficient to determine the role of this variant in disease. Therefore, it has been classified as a Variant of Uncertain Significance.

Blueprint Genetics
Classification: Uncertain significance. Last evaluated: 2019-10-25. Review status: criteria provided, single submitter. Criteria: ACMG Guidelines, 2015. Collection method: clinical testing. Allele origin: germline.

CHEO Genetics Diagnostic Laboratory, Children's Hospital of Eastern Ontario
Classification: Uncertain significance for Cardiomyopathy. Last evaluated: 2019-05-09. Review status: criteria provided, single submitter. Criteria: ACMG Guidelines, 2015. Collection method: clinical testing. Allele origin: germline.

Clinical Genetics, Academic Medical Center
Classification: Likely pathogenic. Review status: no assertion criteria provided. Collection method: clinical testing. Allele origin: germline. Affected: yes. Study: VKGL Data-share Consensus. Not counted in ClinVar's aggregate classification.

Diagnostic Laboratory, Department of Genetics, University Medical Center Groningen
Classification: Likely pathogenic. Review status: no assertion criteria provided. Collection method: clinical testing. Allele origin: germline. Affected: yes. Study: VKGL Data-share Consensus. Not counted in ClinVar's aggregate classification.